The following is an entry in ClinVar:

ClinVar aggregate classification (germline): Uncertain significance. Review status: criteria provided, multiple submitters, no conflicts (2 of 4 stars). 2 submissions from 2 submitters: Uncertain significance (2). Last evaluated 2024-10-31.

Allele frequency attached by ClinVar (database versions not stated): gnomAD exomes below 0.00001; TOPMed below 0.00001.
gnomAD v4.1: 2 of 1,611,846 alleles (0.00012%); highest among the groups gnomAD compares: Non-Finnish European, 0.00017%; no homozygotes.

Submissions (2):

Ambry Genetics
Classification: Uncertain significance. Last evaluated: 2024-10-31. Review status: criteria provided, single submitter. Criteria: Ambry Variant Classification Scheme 2023. Collection method: clinical testing. Allele origin: germline.
Comment: The p.N189D variant (also known as c.565A>G), located in coding exon 3 of the GALNT12 gene, results from an A to G substitution at nucleotide position 565. The asparagine at codon 189 is replaced by aspartic acid, an amino acid with highly similar properties. This amino acid position is conserved. In addition, this alteration is predicted to be tolerated by in silico analysis. Since supporting evidence is limited at this time, the clinical significance of this alteration remains unclear.

Labcorp Genetics (formerly Invitae), Labcorp
Classification: Uncertain significance. Last evaluated: 2022-11-23. Review status: criteria provided, single submitter. Criteria: Invitae Variant Classification Sherloc (09022015). Collection method: clinical testing. Allele origin: germline.
Comment: This sequence change replaces asparagine, which is neutral and polar, with aspartic acid, which is acidic and polar, at codon 189 of the GALNT12 protein (p.Asn189Asp). This variant is not present in population databases (gnomAD no frequency). This variant has not been reported in the literature in individuals affected with GALNT12-related conditions. Advanced modeling of protein sequence and biophysical properties (such as structural, functional, and spatial information, amino acid conservation, physicochemical variation, residue mobility, and thermodynamic stability) performed at Invitae indicates that this missense variant is not expected to disrupt GALNT12 protein function. In summary, the available evidence is currently insufficient to determine the role of this variant in disease. Therefore, it has been classified as a Variant of Uncertain Significance.

NM_024642.5(GALNT12):c.565A>G (p.Asn189Asp)

Gene: GALNT12 (polypeptide N-acetylgalactosaminyltransferase 12; plus strand). Cytogenetic location: 9q22.33.
Variant type: single nucleotide variant.
Coding change: c.565A>G on transcript NM_024642.5 (MANE Select); coding-DNA position 565, A replaced by G.
Protein change: p.Asn189Asp; replaces asparagine 189 with aspartic acid.
Molecular consequence: missense variant.
Genome position (GRCh38, 1-based): chr9:98,826,775, A>G. VCF-style: chr9-98826775-A-G. GRCh37 (hg19) VCF-style: chr9-101589057-A-G.
Other names: short protein forms N189D.
Identifiers: ClinVar variation 1748906 (VCV001748906.6), dbSNP rs1835865070, ClinGen allele CA374217319.